The following is an entry in ClinVar:

NM_014334.4(FRRS1L):c.152G>T (p.Gly51Val)

Gene: FRRS1L (ferric chelate reductase 1 like; minus strand). Cytogenetic location: 9q31.3.
Variant type: single nucleotide variant.
Coding change: c.152G>T on transcript NM_014334.4 (MANE Select); coding-DNA position 152, G replaced by T.
Protein change: p.Gly51Val; replaces glycine 51 with valine.
Molecular consequence: missense variant.
Genome position (GRCh38, 1-based): chr9:109,166,987, C>A on the plus strand (G>T on the coding strand, the complement: FRRS1L is on the minus strand). VCF-style: chr9-109166987-C-A. GRCh37 (hg19) VCF-style: chr9-111929267-C-A.
Other names: short protein forms G51V.
Identifiers: ClinVar variation 1469166 (VCV001469166.8), dbSNP rs2118523071, ClinGen allele CA374430399.
Genomic context (GRCh38, chr9:109,166,987, plus strand): 5'-TAGAACTCCCCCGCGAAGGTGCCGTAGGAGGAGTCGTGGCGCGGCACCGCCTCGTCGGCG[C>A]CCGTGTCCCCCCGCGCGCGTCCCCGGGGTCCCCGGCCCCCCGGGCCCGCACCGTCGTCCG-3'
Protein context (NP_055149.3, residues 41-61): GPRGRARGDT[Gly51Val]ADEAVPRHDS

ClinVar aggregate classification (germline): Uncertain significance (1 of 4 stars; one submission).

Conditions:
Developmental and epileptic encephalopathy, 37 (DEE37). Also called: Epileptic encephalopathy, early infantile, 37. Identifiers: MedGen C4310770, MONDO:0014859, OMIM 616981.

Submission:

Labcorp Genetics (formerly Invitae), Labcorp
Classification: Uncertain significance for Developmental and epileptic encephalopathy, 37. Last evaluated: 2023-04-14. Review status: criteria provided, single submitter. Criteria: Invitae Variant Classification Sherloc (09022015). Collection method: clinical testing. Allele origin: germline.
Comment: This variant has not been reported in the literature in individuals affected with FRRS1L-related conditions. In summary, the available evidence is currently insufficient to determine the role of this variant in disease. Therefore, it has been classified as a Variant of Uncertain Significance. An algorithm developed to predict the effect of missense changes on protein structure and function (PolyPhen-2) suggests that this variant is likely to be tolerated. ClinVar contains an entry for this variant (Variation ID: 1469166). This variant is not present in population databases (gnomAD no frequency). This sequence change replaces glycine, which is neutral and non-polar, with valine, which is neutral and non-polar, at codon 102 of the FRRS1L protein (p.Gly102Val).